The following is an entry in ClinVar:

ClinVar aggregate classification (germline): Uncertain significance. Review status: criteria provided, multiple submitters, no conflicts (2 of 4 stars). 2 submissions from 2 submitters: Uncertain significance (2). Last evaluated 2025-11-13.

Conditions:
Familial cold autoinflammatory syndrome 4 (FCAS4). Identifiers: Orphanet 47045, Orphanet 576349, MedGen C4015276, MONDO:0014498, OMIM 616115.
Periodic fever-infantile enterocolitis-autoinflammatory syndrome. Also called: Autoinflammation with infantile enterocolitis. Identifiers: Orphanet 436166, MedGen C4015067, MONDO:0014472, OMIM 616050.

Allele frequency attached by ClinVar (database versions not stated): gnomAD 0.00003; TOPMed 0.00002.

Submissions (2):

Labcorp Genetics (formerly Invitae), Labcorp
Classification: Uncertain significance for Periodic fever-infantile enterocolitis-autoinflammatory syndrome; Familial cold autoinflammatory syndrome 4. Last evaluated: 2025-11-13. Review status: criteria provided, single submitter. Criteria: Invitae Variant Classification Sherloc (09022015). Collection method: clinical testing. Allele origin: germline.
Comment: This sequence change replaces arginine, which is basic and polar, with histidine, which is basic and polar, at codon 204 of the NLRC4 protein (p.Arg204His). This variant is present in population databases (rs763335197, gnomAD 0.02%). This variant has not been reported in the literature in individuals affected with NLRC4-related conditions. ClinVar contains an entry for this variant (Variation ID: 1418221). Invitae Evidence Modeling of protein sequence and biophysical properties (such as structural, functional, and spatial information, amino acid conservation, physicochemical variation, residue mobility, and thermodynamic stability) indicates that this missense variant is not expected to disrupt NLRC4 protein function with a negative predictive value of 80%. In summary, the available evidence is currently insufficient to determine the role of this variant in disease. Therefore, it has been classified as a Variant of Uncertain Significance.

Mayo Clinic Laboratories, Mayo Clinic
Classification: Uncertain significance. Last evaluated: 2025-10-22. Review status: criteria provided, single submitter. Criteria: ACMG Guidelines, 2015. Collection method: clinical testing. Allele origin: germline. Observed: 2 variant alleles.
Comment: BP4_moderate

NM_001199138.2(NLRC4):c.611G>A (p.Arg204His)

Gene: NLRC4 (NLR family CARD domain containing 4; minus strand). Cytogenetic location: 2p22.3.
Variant type: single nucleotide variant.
Coding change: c.611G>A on transcript NM_001199138.2 (MANE Select); coding-DNA position 611, G replaced by A.
Protein change: p.Arg204His; replaces arginine 204 with histidine.
Molecular consequence: missense variant. On other transcripts: intron variant (1).
Genome position (GRCh38, 1-based): chr2:32,251,253, C>T on the plus strand (G>A on the coding strand, the complement: NLRC4 is on the minus strand). VCF-style: chr2-32251253-C-T. GRCh37 (hg19) VCF-style: chr2-32476322-C-T.
Other names: p.Arg204His; c.611G>A, p.Arg204His (NM_001199139.2, NM_021209.5); c.262+1166G>A (NM_001302504.1); short protein forms R204H.
Identifiers: ClinVar variation 1418221 (VCV001418221.7), dbSNP rs763335197, ClinGen allele CA1602106.